The following is an entry in ClinVar:

NM_004380.3(CREBBP):c.1824C>T (p.Leu608=)

Gene: CREBBP (CREB binding lysine acetyltransferase; minus strand). Cytogenetic location: 16p13.3.
Variant type: single nucleotide variant.
Coding change: c.1824C>T on transcript NM_004380.3 (MANE Select); coding-DNA position 1824, C replaced by T.
Protein change: p.Leu608=; no amino-acid change (leucine 608 retained).
Molecular consequence: synonymous variant.
Genome position (GRCh38, 1-based): chr16:3,778,817, G>A on the plus strand (C>T on the coding strand, the complement: CREBBP is on the minus strand). VCF-style: chr16-3778817-G-A. GRCh37 (hg19) VCF-style: chr16-3828818-G-A.
Other names: c.1710C>T, p.Leu570= (NM_001079846.1).
Identifiers: ClinVar variation 3029149 (VCV003029149.2), dbSNP rs753242611, ClinGen allele CA7870333.
Genomic context (GRCh38, chr16:3,778,817, plus strand): 5'-GTTTTCCATGCGGCGATCCTTTAGAGCTGCGGGATCAGGTGTTGGGAAGATGGCTTGGAC[G>A]CTGAAAGGATAACACATCTATCAAACTACTTTTTTTTTTCTTCTTTTTTTTAAAGACATG-3'
Protein context (NP_004371.2, residues 598-618): QDLRSHLVHK[Leu608=]VQAIFPTPDP

ClinVar aggregate classification (germline): Likely benign (0 of 4 stars; one submission).

Conditions:
CREBBP-related disorder. Also called: CREBBP-related condition; CREBBP-related disorders.

Allele frequency attached by ClinVar (database versions not stated): gnomAD exomes below 0.00001; ExAC 0.00002.
gnomAD v4.1: 5 of 1,612,854 alleles (0.00031%); highest among the groups gnomAD compares: Admixed American, 0.005%; no homozygotes.

Submission:

PreventionGenetics, part of Exact Sciences
Classification: Likely benign for CREBBP-related condition. Last evaluated: 2021-11-09. Review status: no assertion criteria provided. Collection method: clinical testing. Allele origin: germline.
Comment: This variant is classified as likely benign based on ACMG/AMP sequence variant interpretation guidelines (Richards et al. 2015 PMID: 25741868, with internal and published modifications).